The following is an entry in ClinVar:

NM_003620.4(PPM1D):c.1273_1274insT (p.Asp425fs)

Gene: PPM1D (protein phosphatase, Mg2+/Mn2+ dependent 1D; plus strand). Cytogenetic location: 17q23.2.
Variant type: Insertion.
Coding change: c.1273_1274insT on transcript NM_003620.4 (MANE Select); coding-DNA positions 1273 to 1274, T inserted.
Protein change: p.Asp425fs; shifts the reading frame from aspartic acid 425.
Molecular consequence: frameshift variant.
Genome position: GRCh38 VCF-style: chr17-60663007-G-GT. GRCh37 (hg19) VCF-style: chr17-58740368-G-GT.
Other names: short protein forms D425fs.
Identifiers: ClinVar variation 3544373 (VCV003544373.2).
Genomic context (GRCh38, chr17:60,663,007, plus strand): 5'-GTTCTGGGATAAATTTTTTCTTATTTGTTTTACCTTCTTATTTTTCAGTCACTGGAGGAG[G>GT]ATCCATGGCCAAGGGTGAATTCTAAGGACCATATACCTGCCCTGGTTCGTAGCAATGCCT-3'

ClinVar aggregate classification (germline): Likely pathogenic (1 of 4 stars; one submission).

Conditions:
Intellectual developmental disorder with gastrointestinal difficulties and high pain threshold (JDVS). Also called: JANSEN-DE VRIES SYNDROME. Identifiers: Orphanet 653767, MedGen C4479517, MONDO:0044318, OMIM 617450.

Submission:

Molecular Genetics Laboratory, Motol Hospital
Classification: Likely pathogenic for Intellectual developmental disorder with gastrointestinal difficulties and high pain threshold. Last evaluated: 2025-01-07. Review status: criteria provided, single submitter. Criteria: ACMG Guidelines, 2015. Collection method: clinical testing. Allele origin: de novo. Affected: yes. Observed: 1 variant allele.
Comment: This variant was found to be of a de novo origin. Rare truncating variants affecting the PPM1D gene are documented as a molecular cause of "Jansen-de Vries syndrome" (JDVS; OMIM:617450; PMID:28343630;30795918;29758292;37183572). The variant is located within the mutation hotspot of the exon 6 of the PPM1D gene. To conclude, the variant is classified as likely pathogenic (ACMG PVS1, PM2, PS2).

Literature cited by the submitters: PubMed 28343630; PubMed 30795918; PubMed 29758292; PubMed 37183572.